The following is an entry in ClinVar:

ClinVar aggregate classification (germline): Uncertain significance (1 of 4 stars; one submission).

Allele frequency attached by ClinVar (database versions not stated): TOPMed below 0.00001.
gnomAD v4.1: 6 of 1,611,086 alleles (0.00037%); highest among the groups gnomAD compares: Admixed American, 0.0017%; no homozygotes.

Submission:

Labcorp Genetics (formerly Invitae), Labcorp
Classification: Uncertain significance. Last evaluated: 2022-03-04. Review status: criteria provided, single submitter. Criteria: Invitae Variant Classification Sherloc (09022015). Collection method: clinical testing. Allele origin: germline.
Comment: In summary, the available evidence is currently insufficient to determine the role of this variant in disease. Therefore, it has been classified as a Variant of Uncertain Significance. Algorithms developed to predict the effect of missense changes on protein structure and function (SIFT, PolyPhen-2, Align-GVGD) all suggest that this variant is likely to be tolerated. This variant has not been reported in the literature in individuals affected with OTOA-related conditions. This variant is not present in population databases (gnomAD no frequency). This sequence change replaces glycine, which is neutral and non-polar, with serine, which is neutral and polar, at codon 132 of the OTOA protein (p.Gly132Ser).

NM_144672.4(OTOA):c.394G>A (p.Gly132Ser)

Gene: OTOA (otoancorin). Cytogenetic location: 16p12.2.
Variant type: single nucleotide variant.
Coding change: c.394G>A on transcript NM_144672.4 (MANE Select); coding-DNA position 394, G replaced by A.
Protein change: p.Gly132Ser; replaces glycine 132 with serine.
Molecular consequence: missense variant.
Genome position (GRCh38, 1-based): chr16:21,685,356, G>A. VCF-style: chr16-21685356-G-A. GRCh37 (hg19) VCF-style: chr16-21696677-G-A.
Other names: c.157G>A, p.Gly53Ser (NM_001161683.2); short protein forms G53S, G132S.
Identifiers: ClinVar variation 2193308 (VCV002193308.2), dbSNP rs1204323400, ClinGen allele CA395054145.
Genomic context (GRCh38, chr16:21,685,356, plus strand): 5'-AAGACAGACGCCCAGCAGTTCCGCACTGCCATGAAATGCCTCTTAGAAGACAAGAAGGAC[G>A]GCTTGGTGAGGAGCCCTTGGCATCCCGGGGATAGAGGAAGTCCAGCACCACGTGGTGTTT-3'
Protein context (NP_653273.3, residues 122-142): MKCLLEDKKD[Gly132Ser]LDLKDIIIDL